The following is an entry in ClinVar:

ClinVar aggregate classification (germline): Uncertain significance (1 of 4 stars; one submission).

Submission:

Labcorp Genetics (formerly Invitae), Labcorp
Classification: Uncertain significance. Last evaluated: 2024-05-25. Review status: criteria provided, single submitter. Criteria: Invitae Variant Classification Sherloc (09022015). Collection method: clinical testing. Allele origin: germline.
Comment: This sequence change replaces alanine, which is neutral and non-polar, with aspartic acid, which is acidic and polar, at codon 511 of the CACNA2D4 protein (p.Ala511Asp). This variant is not present in population databases (gnomAD no frequency). This variant has not been reported in the literature in individuals affected with CACNA2D4-related conditions. An algorithm developed to predict the effect of missense changes on protein structure and function (PolyPhen-2) suggests that this variant is likely to be disruptive. In summary, the available evidence is currently insufficient to determine the role of this variant in disease. Therefore, it has been classified as a Variant of Uncertain Significance.

NM_172364.5(CACNA2D4):c.1532C>A (p.Ala511Asp)

Gene: CACNA2D4 (calcium voltage-gated channel auxiliary subunit alpha2delta 4; minus strand). Cytogenetic location: 12p13.33.
Variant type: single nucleotide variant.
Coding change: c.1532C>A on transcript NM_172364.5 (MANE Select); coding-DNA position 1532, C replaced by A.
Protein change: p.Ala511Asp; replaces alanine 511 with aspartic acid.
Molecular consequence: missense variant.
Genome position (GRCh38, 1-based): chr12:1,879,835, G>T on the plus strand (C>A on the coding strand, the complement: CACNA2D4 is on the minus strand). VCF-style: chr12-1879835-G-T. GRCh37 (hg19) VCF-style: chr12-1989001-G-T.
Other names: short protein forms A511D.
Identifiers: ClinVar variation 3701521 (VCV003701521.2).
Genomic context (GRCh38, chr12:1,879,835, plus strand): 5'-CTACAACGTCTCCAGGAGCGGCCACTCACCGTTTCGTTCTTCTTGCTGAAGACTGGCATG[G>T]CCACAGTGGTGAGCAGTGTCAGGCTCTGAGCCTGCGAGCTGAGGAGCTGTAAGGGAGGGG-3'
Protein context (NP_758952.4, residues 501-521): AQSLTLLTTV[Ala511Asp]MPVFSKKNET